The following is an entry in ClinVar:

NM_014855.3(AP5Z1):c.864_865delinsA (p.Arg290fs)

Gene: AP5Z1 (adaptor related protein complex 5 subunit zeta 1; plus strand). Cytogenetic location: 7p22.1.
Variant type: Indel.
Coding change: c.864_865delinsA on transcript NM_014855.3 (MANE Select); coding-DNA positions 864 to 865, GC replaced by A.
Protein change: p.Arg290fs; shifts the reading frame from arginine 290.
Molecular consequence: frameshift variant. On other transcripts: non-coding transcript variant (1).
Genome position (GRCh38, 1-based): chr7:4,784,981-4,784,982, GC replaced by A. VCF-style: chr7-4784981-GC-A. GRCh37 (hg19) VCF-style: chr7-4824612-GC-A.
Other names: c.396_397delinsA, p.Arg134fs (NM_001364858.1); short protein forms R134fs, R290fs.
Identifiers: ClinVar variation 3571998 (VCV003571998.1).

ClinVar aggregate classification (germline): Likely pathogenic (1 of 4 stars; one submission).

Submission:

Athena Diagnostics
Classification: Likely pathogenic. Last evaluated: 2024-10-11. Review status: criteria provided, single submitter. Criteria: Athena Diagnostics Criteria. Collection method: clinical testing. Allele origin: unknown.
Comment: This variant is expected to result in the loss of a functional protein. This variant has not been reported in large, multi-ethnic general populations.